The following is an entry in ClinVar:

NM_001273.5(CHD4):c.4581_4583del (p.Asn1527del)

Genes: CHD4 (chromodomain helicase DNA binding protein 4; minus strand), CHD4-AS1 (CHD4 antisense RNA 1; plus strand). Cytogenetic location: 12p13.31.
Variant type: Deletion.
Coding change: c.4581_4583del on transcript NM_001273.5 (MANE Select); coding-DNA positions 4581 to 4583, 3 bases deleted (CAA; older notation c.4581_4583delCAA).
Protein change: p.Asn1527del; deletes asparagine 1527.
Molecular consequence: inframe deletion.
Genome position (GRCh38, 1-based): chr12:6,581,747-6,581,749, TTG deleted on the plus strand (CAA on the coding strand, the reverse complement: CHD4 is on the minus strand); deleting any 3 consecutive bases within chr12:6,581,747-6,581,751 gives the same sequence; the c. name uses the placement nearest the transcript's 3' end. VCF-style (leftmost placement, unchanged base first): chr12-6581746-CTTG-C. GRCh37 (hg19) VCF-style: chr12-6690912-CTTG-C.
Other names: c.4560_4562del, p.Asn1520del (NM_001297553.2); c.4542_4544del, p.Asn1514del (NM_001363606.2); short protein forms N1514del, N1520del, N1527del.
Identifiers: ClinVar variation 2161362 (VCV002161362.4), dbSNP rs1303243029, ClinGen allele CA603485038.
Genomic context (GRCh38, chr12:6,581,746, plus strand): 5'-GTCCCCTGGAGTGGAGGGTGTAGGAGTTTTTGGGGAGGGTGACCCTGGCTGGGACATCTT[CTTG>C]TTTTCCTCCACCTCAGCCAGTTCAGGCATGCTCCAGCGCCCATTAACATGTTCAAACTCC-3'

ClinVar aggregate classification (germline): Uncertain significance (1 of 4 stars; one submission).

Submission:

Labcorp Genetics (formerly Invitae), Labcorp
Classification: Uncertain significance. Last evaluated: 2022-11-01. Review status: criteria provided, single submitter. Criteria: Invitae Variant Classification Sherloc (09022015). Collection method: clinical testing. Allele origin: germline.
Comment: This variant has not been reported in the literature in individuals affected with CHD4-related conditions. In summary, the available evidence is currently insufficient to determine the role of this variant in disease. Therefore, it has been classified as a Variant of Uncertain Significance. Experimental studies and prediction algorithms are not available or were not evaluated, and the functional significance of this variant is currently unknown. This variant has been observed in at least one individual who was not affected with CHD4-related conditions (Invitae). This variant is present in population databases (no rsID available, gnomAD 0.004%). This variant, c.4581_4583del, results in the deletion of 1 amino acid(s) of the CHD4 protein (p.Asn1527del), but otherwise preserves the integrity of the reading frame.